The following is an entry in ClinVar:

ClinVar aggregate classification (germline): Conflicting classifications of pathogenicity. Review status: criteria provided, conflicting classifications (1 of 4 stars). 8 submissions from 8 submitters: Likely pathogenic (6); Uncertain significance (1). 1 of the submissions does not count toward it. Last evaluated 2026-07-28.

Conditions:
AKR1D1-related disorder. Also called: AKR1D1-related condition.
Congenital bile acid synthesis defect 2 (CBAS2). Also called: CHOLESTASIS WITH DELTA(4)-3-OXOSTEROID 5-BETA-REDUCTASE DEFICIENCY. Identifiers: Orphanet 79303, MedGen C1856127, MONDO:0009339, OMIM 235555.

Allele frequency attached by ClinVar (database versions not stated): TOPMed 0.00010; gnomAD exomes 0.00003 and 0.00011; gnomAD 0.00011 and 0.00009; ExAC 0.00004.

Submissions (8):

PreventionGenetics, part of Exact Sciences
Classification: Likely pathogenic for AKR1D1-related condition. Last evaluated: 2026-07-28. Review status: criteria provided, single submitter. Criteria: ACMG Guidelines, 2015. Collection method: clinical testing. Allele origin: germline.
Comment: The AKR1D1 c.593C>T variant is predicted to result in the amino acid substitution p.Pro198Leu. This variant has been reported in the homozygous state in a patient with congenital bile acid synthesis defect 2, and functional studies support its pathogenicity (Lemonde et al. 2003. PubMed ID: 12970144; Palermo et al. 2007. PubMed ID: 18243262; Drury et al. 2010. PubMed ID: 20522910; Mindnich et al. 2010. PubMed ID: 21185810). This variant is reported in 0.0054% of alleles in individuals of European (Non-Finnish) descent in gnomAD. This variant is interpreted as likely pathogenic.

Labcorp Genetics (formerly Invitae), Labcorp
Classification: Likely pathogenic. Last evaluated: 2025-07-28. Review status: criteria provided, single submitter. Criteria: Invitae Variant Classification Sherloc (09022015). Collection method: clinical testing. Allele origin: germline.
Comment: This sequence change replaces proline, which is neutral and non-polar, with leucine, which is neutral and non-polar, at codon 198 of the AKR1D1 protein (p.Pro198Leu). This variant is present in population databases (rs121918342, gnomAD 0.006%). This missense change has been observed in individual(s) with clinical features of AKR1D1-related conditions (PMID: 12970144, 30809085, 31450232). ClinVar contains an entry for this variant (Variation ID: 5374). An algorithm developed to predict the effect of missense changes on protein structure and function (PolyPhen-2) suggests that this variant is likely to be disruptive. Experimental studies have shown that this missense change affects AKR1D1 function (PMID: 20522910, 21185810). In summary, the currently available evidence indicates that the variant is pathogenic, but additional data are needed to prove that conclusively. Therefore, this variant has been classified as Likely Pathogenic.

GeneDx
Classification: Likely pathogenic. Last evaluated: 2025-05-27. Review status: criteria provided, single submitter. Criteria: GeneDx Variant Classification Process June 2021. Collection method: clinical testing. Allele origin: germline. Affected: yes.
Comment: Published functional studies demonstrate a damaging effect including decreased protein expression and stability (PMID: 20522910); In silico analysis supports that this missense variant has a deleterious effect on protein structure/function; This variant is associated with the following publications: (PMID: 21185810, 38062451, 18243262, 33502336, 39201544, 20522910, 28215707, 30137266, 36768194, 30769091, 31222759, 30254413, 12970144, 30809085)

Women's Health and Genetics/Laboratory Corporation of America, LabCorp
Classification: Likely pathogenic for Congenital bile acid synthesis defect 2. Last evaluated: 2023-10-13. Review status: criteria provided, single submitter. Criteria: LabCorp Variant Classification Summary - May 2015. Collection method: clinical testing. Allele origin: germline.
Comment: Variant summary: AKR1D1 c.593C>T (p.Pro198Leu) results in a non-conservative amino acid change located in the NADP-dependent oxidoreductase domain (IPR023210) of the encoded protein sequence. Three of five in-silico tools predict a benign effect of the variant on protein function. The variant allele was found at a frequency of 2.8e-05 in 251442 control chromosomes (gnomAD). c.593C>T has been reported in the literature in individuals affected with neonatal onset cholestatic/AKR1D1 deficiency (examples: Lemonde_2003, Palmero_2008, Zhang_2019, Wang_2019). These data indicate that the variant may be associated with disease. Multiple studies have shown mutant P198L showed reduced protein expression and decreased protein stability compared to wild type, as well as displayed no detectable 5b-reductase enzyme activity using testosterone as a substrate (examples: Drury_2010 and Mindnich_2011). The following publications have been ascertained in the context of this evaluation (PMID: 12970144, 30809085, 31450232, 21185810, 18243262, 20522910). Two submitters have cited clinical-significance assessments for this variant to ClinVar after 2014. One submitter classified the variant as likely pathogenic, and one submitter classified the variant as uncertain significance. Based on the evidence outlined above, the variant was classified as likely pathogenic.

Neuberg Centre For Genomic Medicine, NCGM
Classification: Likely pathogenic for Congenital bile acid synthesis defect 2. Last evaluated: 2023-06-22. Review status: criteria provided, single submitter. Criteria: ACMG Guidelines, 2015. Collection method: clinical testing. Allele origin: germline. Inheritance: Autosomal recessive inheritance. Affected: yes.
Comment: The observed missense c.593C>Tp.Pro198Leu variant in AKR1D1 gene has been reported in compound heterozygous/ homozygous state in patients affected with AKR1D1 related disorderLemonde HA, et. al., 2003; Zhang MH, et. al., 2019. HEK293 cells transiently transfected with the P198L variant showed reduced protein expression and decreased protein stability compared to wild type, as well as displayed no detectable 5b-reductase enzyme activity using testosterone as substrate Drury JE, et. al., 2010. This variant is present with an allele frequency of 0.002% in gnomAD Exomes database. This variant has been submitted to the ClinVar database as Uncertain significance/ Pathogenic/ Likely pathogenic. Computational evidence Polyphen - Possibly damaging, SIFT - Tolerated and MutationTaster -Disease causing predicts conflicting evidence on protein structure and function for this variant. The amino acid change p.Pro198Leu in AKR1D1 is predicted as conserved by GERP++ and PhyloP across 100 vertebrates. The amino acid Pro at position 198 is changed to a Leu changing protein sequence and it might alter its composition and physico-chemical properties. Functional studies are required to prove pathogenicity of the variant. For these reasons, this variant has been classified as Likely pathogenic.

Provincial Medical Genetics Program of British Columbia, University of British Columbia
Classification: Likely pathogenic for Congenital bile acid synthesis defect 2. Last evaluated: 2021-10-15. Review status: criteria provided, single submitter. Criteria: ACMG Guidelines, 2015. Collection method: clinical testing. Allele origin: germline. Inheritance: Autosomal recessive inheritance. Affected: yes. Observed: 1 compound heterozygote.
Comment: This sequence variant has been reported in the homozygous state in a patient with congenital bile acid synthesis defect 2, and functional studies support its pathogenicity (Lemonde et al 2003. PubMed ID: 12970144; Palermo M et al 2007. PubMed ID: 18243262; Drury JE et al 2010. PubMed ID: 20522910; Mindnich R et al 2010. PubMed ID: 21185810).

Eurofins Ntd Llc (ga)
Classification: Uncertain significance. Last evaluated: 2016-09-23. Review status: criteria provided, single submitter. Criteria: EGL Classification Definitions 2015. Collection method: clinical testing. Allele origin: germline. Observed: 1 variant allele, 1 heterozygote.

OMIM
Classification: Pathogenic for BILE ACID SYNTHESIS DEFECT, CONGENITAL, 2. Last evaluated: 2003-10-01. Review status: no assertion criteria provided. Collection method: literature only. Allele origin: germline. Not counted in ClinVar's aggregate classification.

Literature cited by the submitters: PubMed 12970144 (cited by 4 submitters); PubMed 30809085 (cited by Labcorp Genetics (formerly Invitae), Labcorp and Women's Health and Genetics/Laboratory Corporation of America, LabCorp); PubMed 31450232 (cited by Labcorp Genetics (formerly Invitae), Labcorp and Women's Health and Genetics/Laboratory Corporation of America, LabCorp); PubMed 20522910 (cited by 3 submitters); PubMed 21185810 (cited by 3 submitters); PubMed 18243262 (cited by Women's Health and Genetics/Laboratory Corporation of America, LabCorp and Provincial Medical Genetics Program of British Columbia, University of British Columbia); PubMed 8707100 (cited by OMIM).

NM_005989.4(AKR1D1):c.593C>T (p.Pro198Leu)

Gene: AKR1D1 (aldo-keto reductase family 1 member D1; plus strand). Cytogenetic location: 7q33.
Variant type: single nucleotide variant.
Coding change: c.593C>T on transcript NM_005989.4 (MANE Select); coding-DNA position 593, C replaced by T.
Protein change: p.Pro198Leu; replaces proline 198 with leucine.
Molecular consequence: missense variant.
Genome position (GRCh38, 1-based): chr7:138,106,621, C>T. VCF-style: chr7-138106621-C-T. GRCh37 (hg19) VCF-style: chr7-137791367-C-T.
Other names: c.470C>T, p.Pro157Leu (NM_001190906.2); c.593C>T, p.Pro198Leu (NM_001190907.2); short protein forms P198L, P157L.
Identifiers: ClinVar variation 5374 (VCV000005374.14), dbSNP rs121918342, ClinGen allele CA117466.